The following is an entry in ClinVar:

NM_001374736.1(DST):c.4930-16C>T

Gene: DST (dystonin; minus strand). Cytogenetic location: 6p12.1.
Variant type: single nucleotide variant.
Coding change: c.4930-16C>T on transcript NM_001374736.1 (MANE Select); 16 bases into the intron before coding-DNA position 4930, C replaced by T.
Molecular consequence: intron variant.
Genome position (GRCh38, 1-based): chr6:56,614,500, G>A on the plus strand (C>T on the coding strand, the complement: DST is on the minus strand). VCF-style: chr6-56614500-G-A. GRCh37 (hg19) VCF-style: chr6-56479298-G-A.
Other names: c.4831-16C>T (NM_001144769.5); c.4930-16C>T (NM_001374722.1); c.4957-16C>T (NM_001374734.1); c.4417-16C>T (NM_001144770.2); c.4297-16C>T (NM_001374730.1, NM_001386100.1, NM_183380.4 and 1 more transcripts); c.3319-16C>T (NM_015548.5).
Identifiers: ClinVar variation 1952960 (VCV001952960.4), dbSNP rs200868636, ClinGen allele CA3869853.

ClinVar aggregate classification (germline): Uncertain significance (1 of 4 stars; one submission).

Conditions:
Hereditary sensory and autonomic neuropathy type 6. Also called: Neuropathy, hereditary sensory and autonomic, type VI; HSAN VI. Identifiers: Orphanet 314381, MedGen C3539003, MONDO:0013839, OMIM 614653.
Epidermolysis bullosa simplex 3, localized or generalized intermediate, with BP230 deficiency (EBS3). Also called: Epidermolysis bullosa simplex due to BP230 deficiency; Epidermolysis bullosa simplex, autosomal recessive 2. Identifiers: Orphanet 412181, MedGen C3809470, MONDO:0014180, OMIM 615425.

Allele frequency attached by ClinVar (database versions not stated): gnomAD 0.00005; TOPMed 0.00008; ExAC 0.00003; gnomAD exomes 0.00010; 1000 Genomes Project 30x 0.00016; 1000 Genomes Project 0.00020.
gnomAD v4.1: 151 of 1,578,760 alleles (0.0096%); highest among the groups gnomAD compares: African/African-American, 0.012%; no homozygotes.

Submission:

Labcorp Genetics (formerly Invitae), Labcorp
Classification: Uncertain significance for Epidermolysis bullosa simplex 3, localized or generalized intermediate, with BP230 deficiency; Hereditary sensory and autonomic neuropathy type 6. Last evaluated: 2026-01-14. Review status: criteria provided, single submitter. Criteria: Invitae Variant Classification Sherloc (09022015). Collection method: clinical testing. Allele origin: germline.
Comment: The DST gene has multiple clinically relevant transcripts. This variant occurs in alternate transcript NM_015548.4, and corresponds to NM_001723.5:c.*1017C>T in the primary transcript. This sequence change falls in intron 22 of the DST gene. It does not directly change the encoded amino acid sequence of the DST protein. The frequency data for this variant in the population databases is considered unreliable, as metrics indicate poor data quality at this position in the gnomAD database. This variant has not been reported in the literature in individuals affected with DST-related conditions. Experimental studies and prediction algorithms are not available or were not evaluated, and the effect of this variant on mRNA splicing is currently unknown. In summary, the available evidence is currently insufficient to determine the role of this variant in disease. Therefore, it has been classified as a Variant of Uncertain Significance.